The following is an entry in ClinVar:

NM_007294.4(BRCA1):c.2819A>G (p.Asp940Gly)

Gene: BRCA1 (BRCA1 DNA repair associated; minus strand). Cytogenetic location: 17q21.31.
Variant type: single nucleotide variant.
Coding change: c.2819A>G on transcript NM_007294.4 (MANE Select); coding-DNA position 2819, A replaced by G.
Protein change: p.Asp940Gly; replaces aspartic acid 940 with glycine.
Molecular consequence: missense variant. On other transcripts: intron variant (137).
Genome position (GRCh38, 1-based): chr17:43,092,712, T>C on the plus strand (A>G on the coding strand, the complement: BRCA1 is on the minus strand). VCF-style: chr17-43092712-T-C. GRCh37 (hg19) VCF-style: chr17-41244729-T-C.
Other names: c.785-1680A>G (NM_001408400.1, NM_001407972.1, NM_001408392.1 and 13 more transcripts); c.2693A>G, p.Asp898Gly (NM_001407672.1, NM_001407673.1, NM_001407649.1 and 11 more transcripts); c.2696A>G, p.Asp899Gly (NM_001407675.1, NM_001407676.1, NM_001407677.1 and 19 more transcripts); c.665-1680A>G (NM_001408437.1, NM_001408429.1, NM_001408441.1 and 12 more transcripts); c.788-1680A>G (NM_001407979.1, NM_001407977.1, NM_001407982.1 and 17 more transcripts); c.2606A>G, p.Asp869Gly (NM_001407571.1, NM_001407853.1, NM_001407894.1 and 9 more transcripts); c.2819A>G, p.Asp940Gly (NM_001407581.1, NM_001407582.1, NM_001407583.1 and 30 more transcripts); c.2816A>G, p.Asp939Gly (NM_001407587.1, NM_001407590.1, NM_001407591.1 and 22 more transcripts); and 41 more; short protein forms D893G, D940G, D914G, D772G, D813G, D851G, D873G, D892G.
Identifiers: ClinVar variation 928128 (VCV000928128.6), dbSNP rs745954644, ClinGen allele CA058297.

ClinVar aggregate classification (germline): Conflicting classifications of pathogenicity. Review status: criteria provided, conflicting classifications (1 of 4 stars). 3 submissions from 3 submitters: Uncertain significance (2); Likely benign (1). Last evaluated 2025-11-12.

Conditions:
Hereditary cancer-predisposing syndrome. Also called: Neoplastic Syndromes, Hereditary; Hereditary Cancer Syndrome; Tumor predisposition; Hereditary neoplastic syndrome. Identifiers: Orphanet 140162, MedGen C0027672, MeSH D009386, MONDO:0015356.

Allele frequency attached by ClinVar (database versions not stated): gnomAD exomes below 0.00001; TOPMed below 0.00001; ExAC 0.00001; gnomAD 0.00001.
gnomAD v4.1: 4 of 1,614,048 alleles (0.00025%); highest among the groups gnomAD compares: African/African-American, 0.0013%; no homozygotes.

Submissions (3):

Ambry Genetics
Classification: Uncertain significance for Hereditary cancer-predisposing syndrome. Last evaluated: 2025-11-12. Review status: criteria provided, single submitter. Criteria: Ambry Variant Classification Scheme 2023. Collection method: clinical testing. Allele origin: germline.
Comment: The p.D940G variant (also known as c.2819A>G), located in coding exon 9 of the BRCA1 gene, results from an A to G substitution at nucleotide position 2819. The aspartic acid at codon 940 is replaced by glycine, an amino acid with similar properties. This amino acid position is conserved. In addition, the in silico prediction for this alteration is inconclusive. Based on the available evidence, the clinical significance of this variant remains unclear.

University of Washington Department of Laboratory Medicine, University of Washington
Classification: Likely benign for Hereditary cancer-predisposing syndrome. Last evaluated: 2023-03-23. Review status: criteria provided, single submitter. Criteria: Dines et al. (Genet Med. 2020). Collection method: curation. Allele origin: germline.
Comment: Missense variant in a coldspot region where missense variants are very unlikely to be pathogenic (PMID:31911673).

BRCA1 coldspot (exon 11 using historical exon numbering). Reclassification based on statistical prior probability

Color Diagnostics, LLC DBA Color Health
Classification: Uncertain significance for Hereditary cancer-predisposing syndrome. Last evaluated: 2019-06-25. Review status: criteria provided, single submitter. Criteria: ACMG Guidelines, 2015. Collection method: clinical testing. Allele origin: germline.